The following is an entry in ClinVar:

NM_001039591.3(USP9X):c.4105G>A (p.Ala1369Thr)

Gene: USP9X (ubiquitin specific peptidase 9 X-linked; plus strand). Cytogenetic location: Xp11.4.
Variant type: single nucleotide variant.
Coding change: c.4105G>A on transcript NM_001039591.3 (MANE Select); coding-DNA position 4105, G replaced by A.
Protein change: p.Ala1369Thr; replaces alanine 1369 with threonine.
Molecular consequence: missense variant.
Genome position (GRCh38, 1-based): chrX:41,196,610, G>A. VCF-style: chrX-41196610-G-A. GRCh37 (hg19) VCF-style: chrX-41055863-G-A.
Other names: c.4105G>A, p.Ala1369Thr (NM_001039590.3); c.4120G>A, p.Ala1374Thr (NM_001410748.1, NM_001410749.1, NM_001437534.1); short protein forms A1369T, A1374T.
Identifiers: ClinVar variation 4975646 (VCV004975646.1).

ClinVar aggregate classification (germline): Uncertain significance (1 of 4 stars; one submission).

Submission:

GeneDx
Classification: Uncertain significance. Last evaluated: 2026-02-05. Review status: criteria provided, single submitter. Criteria: GeneDx Variant Classification Process June 2021. Collection method: clinical testing. Allele origin: germline.
Comment: Not observed at significant frequency in large population cohorts (gnomAD); In silico analysis suggests that this missense variant does not alter protein structure/function; Has not been previously published as pathogenic or benign to our knowledge